The following is an entry in ClinVar:

ClinVar aggregate classification (germline): Benign/Likely benign. Review status: criteria provided, multiple submitters, no conflicts (2 of 4 stars). 7 submissions from 7 submitters: Benign (1); Likely benign (6). Last evaluated 2025-12-19.

Conditions:
CHEK2-related disorder.
Hereditary cancer-predisposing syndrome. Also called: Hereditary Cancer Syndrome; Tumor predisposition; Hereditary neoplastic syndrome; Neoplastic Syndromes, Hereditary. Identifiers: Orphanet 140162, MedGen C0027672, MeSH D009386, MONDO:0015356.
Familial cancer of breast. Also called: Hereditary breast cancer; hereditary breast carcinoma; BREAST CANCER, FAMILIAL. Identifiers: Orphanet 227535, MedGen C0346153, MONDO:0016419, OMIM 114480. Disease mechanism: loss of function.

Allele frequency attached by ClinVar (database versions not stated): ExAC 0.00001; gnomAD 0.00001 and 0.00002; TOPMed 0.00001; 1000 Genomes Project 0.00020; 1000 Genomes Project 30x 0.00031.
gnomAD v4.1: 3 of 1,610,264 alleles (0.00019%); highest among the groups gnomAD compares: African/African-American, 0.004%; no homozygotes.

Submissions (7):

Labcorp Genetics (formerly Invitae), Labcorp
Classification: Likely benign for Familial cancer of breast. Last evaluated: 2025-12-19. Review status: criteria provided, single submitter. Criteria: Invitae Variant Classification Sherloc (09022015). Collection method: clinical testing. Allele origin: germline.

PreventionGenetics, part of Exact Sciences
Classification: Likely benign for CHEK2-related condition. Last evaluated: 2025-03-28. Review status: criteria provided, single submitter. Criteria: ACMG Guidelines, 2015. Collection method: clinical testing. Allele origin: germline.
Comment: This variant is classified as likely benign based on ACMG/AMP sequence variant interpretation guidelines (Richards et al. 2015 PMID: 25741868, with internal and published modifications).

Quest Diagnostics Nichols Institute San Juan Capistrano
Classification: Likely benign. Last evaluated: 2024-12-14. Review status: criteria provided, single submitter. Criteria: Quest Diagnostics criteria. Collection method: clinical testing. Allele origin: unknown.

Myriad Genetics, Inc.
Classification: Benign for Familial cancer of breast. Last evaluated: 2024-10-04. Review status: criteria provided, single submitter. Criteria: Myriad Autosomal Dominant, Autosomal Recessive and X-Linked Classification Criteria (2023). Collection method: clinical testing. Allele origin: unknown.
Comment: This variant is considered benign. This variant is a silent/synonymous amino acid change and it is not expected to impact splicing.

Ambry Genetics
Classification: Likely benign for Hereditary cancer-predisposing syndrome. Last evaluated: 2018-07-17. Review status: criteria provided, single submitter. Criteria: Ambry Variant Classification Scheme 2023. Collection method: clinical testing. Allele origin: germline.

Color Diagnostics, LLC DBA Color Health
Classification: Likely benign for Hereditary cancer-predisposing syndrome. Last evaluated: 2018-04-13. Review status: criteria provided, single submitter. Criteria: ACMG Guidelines, 2015. Collection method: clinical testing. Allele origin: germline.

GeneDx
Classification: Likely benign. Last evaluated: 2017-10-03. Review status: criteria provided, single submitter. Criteria: GeneDx Variant Classification (06012015). Collection method: clinical testing. Allele origin: germline. Affected: yes.
Comment: This variant is considered likely benign or benign based on one or more of the following criteria: it is a conservative change, it occurs at a poorly conserved position in the protein, it is predicted to be benign by multiple in silico algorithms, and/or has population frequency not consistent with disease.

NM_007194.4(CHEK2):c.1083C>T (p.Asp361=)

Gene: CHEK2 (checkpoint kinase 2; minus strand). Cytogenetic location: 22q12.1.
Variant type: single nucleotide variant.
Coding change: c.1083C>T on transcript NM_007194.4 (MANE Select); coding-DNA position 1083, C replaced by T.
Protein change: p.Asp361=; no amino-acid change (aspartic acid 361 retained).
Molecular consequence: synonymous variant. On other transcripts: intron variant (3).
Genome position (GRCh38, 1-based): chr22:28,696,913, G>A on the plus strand (C>T on the coding strand, the complement: CHEK2 is on the minus strand). VCF-style: chr22-28696913-G-A. GRCh37 (hg19) VCF-style: chr22-29092901-G-A.
Other names: c.1212C>T, p.Asp404= (NM_001005735.3); c.420C>T, p.Asp140= (NM_001257387.3, NM_001437942.1); c.882C>T, p.Asp294= (NM_001349956.3); c.1176C>T, p.Asp392= (NM_001438293.1); c.1009-1040C>T (NM_145862.3); c.1102-1040C>T (NM_001438295.1); c.1138-1040C>T (NM_001438294.1).
Identifiers: ClinVar variation 415920 (VCV000415920.23), dbSNP rs572668197, ClinGen allele CA10167736.